The following is an entry in ClinVar:

NM_006231.4(POLE):c.4460T>G (p.Ile1487Ser)

Gene: POLE (DNA polymerase epsilon, catalytic subunit; minus strand). Cytogenetic location: 12q24.33.
Variant type: single nucleotide variant.
Coding change: c.4460T>G on transcript NM_006231.4 (MANE Select); coding-DNA position 4460, T replaced by G.
Protein change: p.Ile1487Ser; replaces isoleucine 1487 with serine.
Molecular consequence: missense variant.
Genome position (GRCh38, 1-based): chr12:132,643,315, A>C on the plus strand (T>G on the coding strand, the complement: POLE is on the minus strand). VCF-style: chr12-132643315-A-C. GRCh37 (hg19) VCF-style: chr12-133219901-A-C.
Other names: short protein forms I1487S.
Identifiers: ClinVar variation 2743894 (VCV002743894.3), dbSNP rs2138547495, ClinGen allele CA387380756.
Genomic context (GRCh38, chr12:132,643,315, plus strand): 5'-TGTGAGGGGATGAAGATCCCGAAGAGCGCTTTGTGGGCCTGTGCGTGGTGGTACAGGTAG[A>C]TATGGCGGATACTCCCTGGAGAAGGAAACAAGACCGTCACCCCAGATGTGTGGGAGGCAG-3'
Protein context (NP_006222.2, residues 1477-1497): SYLEPGSIRH[Ile1487Ser]YLYHHAQAHK

ClinVar aggregate classification (germline): Uncertain significance (1 of 4 stars; one submission).

Submission:

Labcorp Genetics (formerly Invitae), Labcorp
Classification: Uncertain significance. Last evaluated: 2023-07-16. Review status: criteria provided, single submitter. Criteria: Invitae Variant Classification Sherloc (09022015). Collection method: clinical testing. Allele origin: germline.
Comment: In summary, the available evidence is currently insufficient to determine the role of this variant in disease. Therefore, it has been classified as a Variant of Uncertain Significance. Advanced modeling of protein sequence and biophysical properties (such as structural, functional, and spatial information, amino acid conservation, physicochemical variation, residue mobility, and thermodynamic stability) performed at Invitae indicates that this missense variant is not expected to disrupt POLE protein function. This variant has not been reported in the literature in individuals affected with POLE-related conditions. This variant is not present in population databases (gnomAD no frequency). This sequence change replaces isoleucine, which is neutral and non-polar, with serine, which is neutral and polar, at codon 1487 of the POLE protein (p.Ile1487Ser).